The following is an entry in ClinVar:

NM_032638.5(GATA2):c.1163T>C (p.Met388Thr)

Gene: GATA2 (GATA binding protein 2; minus strand). Cytogenetic location: 3q21.3.
Variant type: single nucleotide variant.
Coding change: c.1163T>C on transcript NM_032638.5 (MANE Select); coding-DNA position 1163, T replaced by C.
Protein change: p.Met388Thr; replaces methionine 388 with threonine.
Molecular consequence: missense variant.
Genome position (GRCh38, 1-based): chr3:128,481,299, A>G on the plus strand (T>C on the coding strand, the complement: GATA2 is on the minus strand). VCF-style: chr3-128481299-A-G. GRCh37 (hg19) VCF-style: chr3-128200142-A-G.
Other names: c.1163T>C, p.Met388Thr (NM_001145661.2); c.1121T>C, p.Met374Thr (NM_001145662.1); short protein forms M374T, M388T.
Identifiers: ClinVar variation 1184010 (VCV001184010.1), dbSNP rs2107668103, ClinGen allele CA354413345.

ClinVar aggregate classification (germline): Likely pathogenic (1 of 4 stars; one submission).

Conditions:
Deafness-lymphedema-leukemia syndrome. Also called: Emberger syndrome; Lymphedema, primary, with myelodysplasia. Identifiers: Orphanet 3226, MedGen C3279664, MONDO:0013540, OMIM 614038.
GATA2 deficiency with susceptibility to MDS/AML. Identifiers: MedGen CN300066, MONDO:0042982.

Submission:

Molecular Pathology Research Laboratory, SA Pathology
Classification: Likely pathogenic for GATA2 deficiency with susceptibility to MDS/AML; Deafness-lymphedema-leukemia syndrome. Last evaluated: 2021-07-06. Review status: criteria provided, single submitter. Criteria: ACMG Guidelines, 2015. Collection method: curation. Allele origin: germline. Inheritance: Autosomal dominant inheritance. Affected: yes. Observed: 5 variant alleles. Clinical features observed: Immunodeficiency, Hematological abnormality.
Comment: PS4, PM1, PM2, PM5, PP3

Literature cited by the submitters: PubMed 24227816; PubMed 23502222; PubMed 24077845; PubMed 33417088.